The following is an entry in ClinVar:

ClinVar aggregate classification (germline): Uncertain significance (1 of 4 stars; one submission).

Conditions:
Nephronophthisis 18 (NPHP18). Identifiers: Orphanet 655, MedGen C3890591, MONDO:0014374, OMIM 615862.

Allele frequency attached by ClinVar (database versions not stated): gnomAD 0.00001; TOPMed 0.00001.
gnomAD v4.1: 7 of 1,565,810 alleles (0.00045%); highest among the groups gnomAD compares: African/African-American, 0.0027%; no homozygotes.

Submission:

Labcorp Genetics (formerly Invitae), Labcorp
Classification: Uncertain significance for Nephronophthisis 18. Last evaluated: 2022-03-28. Review status: criteria provided, single submitter. Criteria: Invitae Variant Classification Sherloc (09022015). Collection method: clinical testing. Allele origin: germline.
Comment: This sequence change replaces arginine, which is basic and polar, with histidine, which is basic and polar, at codon 133 of the CEP83 protein (p.Arg133His). This variant is present in population databases (no rsID available, gnomAD 0.008%). In summary, the available evidence is currently insufficient to determine the role of this variant in disease. Therefore, it has been classified as a Variant of Uncertain Significance. Algorithms developed to predict the effect of missense changes on protein structure and function are either unavailable or do not agree on the potential impact of this missense change (SIFT: "Not Available"; PolyPhen-2: "Benign"; Align-GVGD: "Not Available"). This variant has not been reported in the literature in individuals affected with CEP83-related conditions.

NM_016122.3(CEP83):c.398G>A (p.Arg133His)

Gene: CEP83 (centrosomal protein 83; minus strand). Cytogenetic location: 12q22.
Variant type: single nucleotide variant.
Coding change: c.398G>A on transcript NM_016122.3 (MANE Select); coding-DNA position 398, G replaced by A.
Protein change: p.Arg133His; replaces arginine 133 with histidine.
Molecular consequence: missense variant. On other transcripts: non-coding transcript variant (3), intron variant (2).
Genome position (GRCh38, 1-based): chr12:94,403,189, C>T on the plus strand (G>A on the coding strand, the complement: CEP83 is on the minus strand). VCF-style: chr12-94403189-C-T. GRCh37 (hg19) VCF-style: chr12-94796965-C-T.
Other names: c.398G>A, p.Arg133His (NM_001368038.1, NM_001042399.2, NM_001346457.2 and 3 more transcripts); c.86G>A, p.Arg29His (NM_001368039.1, NM_001368040.1, NM_001346458.2 and 2 more transcripts); c.324+8508G>A (NM_001368041.1); c.12+8508G>A (NM_001368042.1); short protein forms R133H, R29H.
Identifiers: ClinVar variation 2421253 (VCV002421253.6), dbSNP rs1025097456, ClinGen allele CA242065972.